The following is an entry in ClinVar:

ClinVar aggregate classification (germline): Likely benign. Review status: criteria provided, multiple submitters, no conflicts (2 of 4 stars). 4 submissions from 4 submitters: Likely benign (3). 1 of the submissions does not count toward it. Last evaluated 2024-11-26.

Conditions:
PDE1C-related disorder. Also called: PDE1C-related condition.

Allele frequency attached by ClinVar (database versions not stated): ExAC 0.00044; 1000 Genomes Project 0.00100; ESP Exome Variant Server 0.00105; 1000 Genomes Project 30x 0.00109; gnomAD 0.00161 and 0.00173; TOPMed 0.00179; gnomAD exomes 0.00041.
gnomAD v4.1: 481 of 1,612,730 alleles (0.03%); highest among the groups gnomAD compares: African/African-American, 0.55%; 3 homozygotes.

Submissions (4):

Blueprint Genetics
Classification: Likely benign. Last evaluated: 2024-11-26. Review status: criteria provided, single submitter. Criteria: ACMG Guidelines, 2015. Collection method: clinical testing. Allele origin: germline.

Labcorp Genetics (formerly Invitae), Labcorp
Classification: Likely benign. Last evaluated: 2019-12-31. Review status: criteria provided, single submitter. Criteria: Invitae Variant Classification Sherloc (09022015). Collection method: clinical testing. Allele origin: germline.

Breakthrough Genomics
Classification: Likely benign. Review status: criteria provided, single submitter. Criteria: ACMG Guidelines, 2015. Collection method: not provided. Allele origin: germline. Inheritance: Autosomal dominant inheritance. Affected: yes.

PreventionGenetics, part of Exact Sciences
Classification: Benign for PDE1C-related condition. Last evaluated: 2020-07-14. Review status: no assertion criteria provided. Collection method: clinical testing. Allele origin: germline. Not counted in ClinVar's aggregate classification.
Comment: This variant is classified as benign based on ACMG/AMP sequence variant interpretation guidelines (Richards et al. 2015 PMID: 25741868, with internal and published modifications).

NM_001191057.4(PDE1C):c.1904G>A (p.Arg635His)

Gene: PDE1C (phosphodiesterase 1C; minus strand). Cytogenetic location: 7p14.3.
Variant type: single nucleotide variant.
Coding change: c.1904G>A on transcript NM_001191057.4 (MANE Select); coding-DNA position 1904, G replaced by A.
Protein change: p.Arg635His; replaces arginine 635 with histidine.
Molecular consequence: missense variant.
Genome position (GRCh38, 1-based): chr7:31,775,720, C>T on the plus strand (G>A on the coding strand, the complement: PDE1C is on the minus strand). VCF-style: chr7-31775720-C-T. GRCh37 (hg19) VCF-style: chr7-31815334-C-T.
Other names: c.2084G>A, p.Arg695His (NM_001191058.4); c.1904G>A, p.Arg635His (NM_001191059.4, NM_001322055.2); c.2084G>A (NM_001191058.3); short protein forms R635H, R695H.
Identifiers: ClinVar variation 789008 (VCV000789008.8), dbSNP rs192039751, ClinGen allele CA4210683.